The following is an entry in ClinVar:

ClinVar aggregate classification (germline): Uncertain significance (1 of 4 stars; one submission).

gnomAD v4.1: 7 of 1,613,452 alleles (0.00043%); highest among the groups gnomAD compares: Non-Finnish European, 0.00059%; no homozygotes.

Submission:

Ambry Genetics
Classification: Uncertain significance. Last evaluated: 2026-05-06. Review status: criteria provided, single submitter. Criteria: Ambry Variant Classification Scheme 2023. Collection method: clinical testing. Allele origin: germline.
Comment: The c.1930A>G (p.M644V) alteration is located in exon 1 (coding exon 1) of the PCDH18 gene. This alteration results from a A to G substitution at nucleotide position 1930, causing the methionine (M) at amino acid position 644 to be replaced by a valine (V). Based on data from gnomAD, the G allele has an overall frequency of <0.001% (1/250672) total alleles studied. The highest observed frequency was 0.001% (1/113230) of European (non-Finnish) alleles. Based on insufficient or conflicting evidence, the clinical significance of this alteration remains unclear.

NM_019035.5(PCDH18):c.1930A>G (p.Met644Val)

Gene: PCDH18 (protocadherin 18; minus strand). Cytogenetic location: 4q28.3.
Variant type: single nucleotide variant.
Coding change: c.1930A>G on transcript NM_019035.5 (MANE Select); coding-DNA position 1930, A replaced by G.
Protein change: p.Met644Val; replaces methionine 644 with valine.
Molecular consequence: missense variant.
Genome position (GRCh38, 1-based): chr4:137,530,159, T>C on the plus strand (A>G on the coding strand, the complement: PCDH18 is on the minus strand). VCF-style: chr4-137530159-T-C. GRCh37 (hg19) VCF-style: chr4-138451313-T-C.
Other names: c.1930A>G, p.Met644Val (NM_001300828.2); short protein forms M644V.
Identifiers: ClinVar variation 4861648 (VCV004861648.1).